The following is an entry in ClinVar:

NR_033294.2(SNORD118):n.131C>G

Genes: SNORD118 (small nucleolar RNA, C/D box 118; minus strand), TMEM107 (transmembrane protein 107; minus strand). Cytogenetic location: 17p13.1.
Variant type: single nucleotide variant.
Molecular consequence: non-coding transcript variant (on NR_033294.2). On other transcripts: 3 prime UTR variant (5).
Genome position: GRCh38 VCF-style: chr17-8173458-G-C. GRCh37 (hg19) VCF-style: chr17-8076776-G-C.
Other names: c.*745C>G (NM_001351278.2, NM_001351279.2, NM_001351280.2 and 2 more transcripts).
Identifiers: ClinVar variation 929265 (VCV000929265.9), dbSNP rs746503581, ClinGen allele CA287523914.
Genomic context (GRCh38, chr17:8,173,458, plus strand): 5'-TGTTTGTGGATATCTGCTAATCAGCATAACACAAATGTAAGTGATCGTCAGAAAGAATCA[G>C]ACAGGAGCAATCAGGGTGTTGCAAGTCCTGATTACGCAGAGACGTTAATCACGTTTCATG-3'

ClinVar aggregate classification (germline): Conflicting classifications of pathogenicity. Review status: criteria provided, conflicting classifications (1 of 4 stars). 5 submissions from 5 submitters: Pathogenic (1); Likely pathogenic (2); Uncertain significance (1). 1 of the submissions does not count toward it. Last evaluated 2025-05-11.

Conditions:
Leukoencephalopathy with calcifications and cysts. Also called: Leukoencephalopathy, brain calcifications, and cysts; LABRUNE SYNDROME. Identifiers: Orphanet 542310, MedGen C3281200, MONDO:0013803, OMIM 614561.

Allele frequency attached by ClinVar (database versions not stated): TOPMed 0.00002.
gnomAD v4.1: 13 of 763,882 alleles (0.0017%); highest among the groups gnomAD compares: African/African-American, 0.0034%; no homozygotes.

Submissions (5):

Labcorp Genetics (formerly Invitae), Labcorp
Classification: Pathogenic. Last evaluated: 2025-05-11. Review status: criteria provided, single submitter. Criteria: Invitae Variant Classification Sherloc (09022015). Collection method: clinical testing. Allele origin: germline.
Comment: This variant occurs in the SNORD118 gene, which encodes an RNA molecule that does not result in a protein product. This variant is present in population databases (no rsID available, gnomAD 0.003%). This variant has been observed in individuals with leukoencephalopathy (PMID: 27571260, 33029936). It has also been observed to segregate with disease in related individuals. ClinVar contains an entry for this variant (Variation ID: 929265). Experimental studies and prediction algorithms are not available or were not evaluated, and the functional significance of this variant is currently unknown. For these reasons, this variant has been classified as Pathogenic.

GeneDx
Classification: Likely pathogenic. Last evaluated: 2025-03-17. Review status: criteria provided, single submitter. Criteria: GeneDx Variant Classification Process June 2021. Collection method: clinical testing. Allele origin: germline. Affected: yes.
Comment: Located in a non-coding RNA; Changes the Watson-Crick match to a mismatch at a position where a Watson-Crick match is moderately conserved across species, which is predicted to affect the secondary structure/function; This variant is associated with the following publications: (PMID: 39640958, 37761957, 37547187, 33029936, 27571260)

HudsonAlpha Institute for Biotechnology
Classification: Uncertain significance for Leukoencephalopathy with calcifications and cysts. Last evaluated: 2023-08-25. Review status: criteria provided, single submitter. Criteria: ACMG Guidelines, 2015. Collection method: research. Allele origin: paternal. Affected: yes. Observed: 1 variant allele. Study: HudsonAlpha-AGHI-WGS.

Undiagnosed Diseases Network, NIH
Classification: Likely pathogenic for Leukoencephalopathy with calcifications and cysts. Last evaluated: 2020-01-30. Review status: criteria provided, single submitter. Criteria: ACMG Guidelines, 2015. Collection method: clinical testing. Allele origin: maternal. Inheritance: Autosomal recessive inheritance. Affected: yes. Observed: 1 variant allele, 1 compound heterozygote. Study: Undiagnosed Diseases Network (NIH), UDN.

Laboratory of Neurogenetics and Neuroinflammation, Institut Imagine
Classification: Pathogenic for Leukoencephalopathy, brain calcifications, and cysts. Last evaluated: 2020-04-06. Review status: no assertion criteria provided. Collection method: clinical testing. Allele origin: germline. Affected: yes. Observed: 6 variant alleles. Not counted in ClinVar's aggregate classification.

Literature cited by the submitters: PubMed 27571260 (cited by Labcorp Genetics (formerly Invitae), Labcorp); PubMed 33029936 (cited by Labcorp Genetics (formerly Invitae), Labcorp).